The following is an entry in ClinVar:

ClinVar aggregate classification (germline): Likely benign (0 of 4 stars; one submission).

Conditions:
SEMA3D-related disorder. Also called: SEMA3D-related condition.

gnomAD v4.1: 3 of 1,613,492 alleles (0.00019%); highest among the groups gnomAD compares: Admixed American, 0.005%; no homozygotes.

Submission:

PreventionGenetics, part of Exact Sciences
Classification: Likely benign for SEMA3D-related condition. Last evaluated: 2024-08-12. Review status: no assertion criteria provided. Collection method: clinical testing. Allele origin: germline.
Comment: This variant is classified as likely benign based on ACMG/AMP sequence variant interpretation guidelines (Richards et al. 2015 PMID: 25741868, with internal and published modifications).

NM_001384900.1(SEMA3D):c.915G>A (p.Lys305=)

Gene: SEMA3D (semaphorin 3D; minus strand). Cytogenetic location: 7q21.11.
Variant type: single nucleotide variant.
Coding change: c.915G>A on transcript NM_001384900.1 (MANE Select); coding-DNA position 915, G replaced by A.
Protein change: p.Lys305=; no amino-acid change (lysine 305 retained).
Molecular consequence: synonymous variant.
Genome position (GRCh38, 1-based): chr7:85,042,232, C>T on the plus strand (G>A on the coding strand, the complement: SEMA3D is on the minus strand). VCF-style: chr7-85042232-C-T. GRCh37 (hg19) VCF-style: chr7-84671548-C-T.
Other names: c.915G>A, p.Lys305= (NM_001384901.1, NM_001384902.1, NM_001384903.1 and 1 more transcripts).
Identifiers: ClinVar variation 3358254 (VCV003358254.1).